The following is an entry in ClinVar:

ClinVar aggregate classification (germline): Uncertain significance. Review status: criteria provided, multiple submitters, no conflicts (2 of 4 stars). 2 submissions from 2 submitters: Uncertain significance (2). Last evaluated 2025-09-13.

Conditions:
Primary dilated cardiomyopathy (DCM). Also called: Dilated Cardiomyopathy. Identifiers: Orphanet 217604, MedGen C0007193, MeSH D002311, MONDO:0005021, HP:0001644. Inheritance: Various modes of inheritance.

Allele frequency attached by ClinVar (database versions not stated): TOPMed 0.00004; ESP Exome Variant Server 0.00015.
gnomAD v4.1: 56 of 1,609,438 alleles (0.0035%); highest among the groups gnomAD compares: Non-Finnish European, 0.0048%; no homozygotes.

Submissions (2):

Labcorp Genetics (formerly Invitae), Labcorp
Classification: Uncertain significance for Primary dilated cardiomyopathy. Last evaluated: 2025-09-13. Review status: criteria provided, single submitter. Criteria: Invitae Variant Classification Sherloc (09022015). Collection method: clinical testing. Allele origin: germline.
Comment: This sequence change replaces valine, which is neutral and non-polar, with aspartic acid, which is acidic and polar, at codon 174 of the FHL2 protein (p.Val174Asp). This variant is present in population databases (rs144442113, gnomAD 0.004%). This variant has not been reported in the literature in individuals affected with FHL2-related conditions. ClinVar contains an entry for this variant (Variation ID: 940440). Invitae Evidence Modeling of protein sequence and biophysical properties (such as structural, functional, and spatial information, amino acid conservation, physicochemical variation, residue mobility, and thermodynamic stability) indicates that this missense variant is not expected to disrupt FHL2 protein function with a negative predictive value of 80%. In summary, the available evidence is currently insufficient to determine the role of this variant in disease. Therefore, it has been classified as a Variant of Uncertain Significance.

Ambry Genetics
Classification: Uncertain significance. Last evaluated: 2024-10-01. Review status: criteria provided, single submitter. Criteria: Ambry Variant Classification Scheme 2023. Collection method: clinical testing. Allele origin: germline.

NM_001318895.3(FHL2):c.521T>A (p.Val174Asp)

Genes: C2orf49 (chromosome 2 open reading frame 49; plus strand), FHL2 (four and a half LIM domains 2; minus strand). Cytogenetic location: 2q12.2.
Variant type: single nucleotide variant.
Coding change: c.521T>A on transcript NM_001318895.3 (MANE Select); coding-DNA position 521, T replaced by A.
Protein change: p.Val174Asp; replaces valine 174 with aspartic acid.
Molecular consequence: missense variant.
Genome position (GRCh38, 1-based): chr2:105,363,452, A>T on the plus strand (T>A on the coding strand, the complement: FHL2 is on the minus strand). VCF-style: chr2-105363452-A-T. GRCh37 (hg19) VCF-style: chr2-105979909-A-T.
Other names: c.521T>A, p.Val174Asp (NM_001039492.3, NM_001318894.1, NM_001318896.2 and 4 more transcripts); c.179T>A, p.Val60Asp (NM_001318897.2, NM_001318898.2); c.197T>A, p.Val66Asp (NM_001318899.2); short protein forms V174D, V66D, V60D.
Identifiers: ClinVar variation 940440 (VCV000940440.9), dbSNP rs144442113, ClinGen allele CA1814710.